The following is an entry in ClinVar:

NM_030957.4(ADAMTS10):c.3123C>T (p.Cys1041=)

Gene: ADAMTS10 (ADAM metallopeptidase with thrombospondin type 1 motif 10; minus strand). Cytogenetic location: 19p13.2.
Variant type: single nucleotide variant.
Coding change: c.3123C>T on transcript NM_030957.4 (MANE Select); coding-DNA position 3123, C replaced by T.
Protein change: p.Cys1041=; no amino-acid change (cysteine 1041 retained).
Molecular consequence: synonymous variant.
Genome position (GRCh38, 1-based): chr19:8,584,974, G>A on the plus strand (C>T on the coding strand, the complement: ADAMTS10 is on the minus strand). VCF-style: chr19-8584974-G-A. GRCh37 (hg19) VCF-style: chr19-8649858-G-A.
Other names: p.Cys1041=; c.1584C>T, p.Cys528= (NM_001282352.2).
Identifiers: ClinVar variation 1399921 (VCV001399921.8), dbSNP rs1429307871, ClinGen allele CA505266654.

ClinVar aggregate classification (germline): Likely benign. Review status: criteria provided, multiple submitters, no conflicts (2 of 4 stars). 3 submissions from 3 submitters: Likely benign (3). Last evaluated 2025-08-29.

Allele frequency attached by ClinVar (database versions not stated): gnomAD exomes 0.00001; TOPMed 0.00002; gnomAD 0.00003 and 0.00004.
gnomAD v4.1: 16 of 1,546,206 alleles (0.001%); highest among the groups gnomAD compares: Admixed American, 0.0079%; no homozygotes.

Submissions (3):

Labcorp Genetics (formerly Invitae), Labcorp
Classification: Likely benign. Last evaluated: 2025-08-29. Review status: criteria provided, single submitter. Criteria: Invitae Variant Classification Sherloc (09022015). Collection method: clinical testing. Allele origin: germline.

Mayo Clinic Laboratories, Mayo Clinic
Classification: Likely benign. Last evaluated: 2025-06-18. Review status: criteria provided, single submitter. Criteria: ACMG Guidelines, 2015. Collection method: clinical testing. Allele origin: germline. Observed: 1 variant allele.
Comment: BP4, BP7, PM2_supporting

Blueprint Genetics
Classification: Likely benign. Last evaluated: 2024-11-25. Review status: criteria provided, single submitter. Criteria: ACMG Guidelines, 2015. Collection method: clinical testing. Allele origin: germline.